The following is an entry in ClinVar:

NM_002439.5(MSH3):c.407A>C (p.Lys136Thr)

Gene: MSH3 (mutS homolog 3; plus strand). Cytogenetic location: 5q14.1.
Variant type: single nucleotide variant.
Coding change: c.407A>C on transcript NM_002439.5 (MANE Select); coding-DNA position 407, A replaced by C.
Protein change: p.Lys136Thr; replaces lysine 136 with threonine.
Molecular consequence: missense variant.
Genome position (GRCh38, 1-based): chr5:80,665,191, A>C. VCF-style: chr5-80665191-A-C. GRCh37 (hg19) VCF-style: chr5-79961010-A-C.
Other names: short protein forms K136T.
Identifiers: ClinVar variation 3728057 (VCV003728057.2).

ClinVar aggregate classification (germline): Uncertain significance (1 of 4 stars; one submission).

Submission:

Labcorp Genetics (formerly Invitae), Labcorp
Classification: Uncertain significance. Last evaluated: 2024-12-25. Review status: criteria provided, single submitter. Criteria: Invitae Variant Classification Sherloc (09022015). Collection method: clinical testing. Allele origin: germline.
Comment: This sequence change replaces lysine, which is basic and polar, with threonine, which is neutral and polar, at codon 136 of the MSH3 protein (p.Lys136Thr). This variant is not present in population databases (gnomAD no frequency). This variant has not been reported in the literature in individuals affected with MSH3-related conditions. An algorithm developed to predict the effect of missense changes on protein structure and function (PolyPhen-2) suggests that this variant is likely to be disruptive. In summary, the available evidence is currently insufficient to determine the role of this variant in disease. Therefore, it has been classified as a Variant of Uncertain Significance.